The following is an entry in ClinVar:

ClinVar aggregate classification (germline): Uncertain significance (1 of 4 stars; one submission).

gnomAD v4.1: 92 of 1,613,252 alleles (0.0057%); highest among the groups gnomAD compares: Non-Finnish European, 0.0071%; no homozygotes.

Submission:

Women's Health and Genetics/Laboratory Corporation of America, LabCorp
Classification: Uncertain significance. Last evaluated: 2026-03-11. Review status: criteria provided, single submitter. Criteria: LabCorp Variant Classification Summary - May 2015. Collection method: clinical testing. Allele origin: germline.
Comment: Variant summary: EPB41L1 c.763A>G (p.Met255Val) results in a conservative amino acid change in the encoded protein sequence. Algorithms developed to predict the effect of missense changes on protein structure and function are either unavailable or do not agree on the potential impact of this missense change. The variant allele was found at a frequency of 5.2e-05 in 249686 control chromosomes. This frequency is not significantly higher than estimated for disease-causing variants in EPB41L1, allowing no conclusion about variant significance. To our knowledge, no occurrence of c.763A>G in individuals affected with EPB41L1-related conditions and no experimental evidence demonstrating its impact on protein function have been reported. No submitters have cited clinical-significance assessments for this variant to ClinVar. Based on the evidence outlined above, the variant was classified as uncertain significance.

NM_012156.2(EPB41L1):c.763A>G (p.Met255Val)

Gene: EPB41L1 (erythrocyte membrane protein band 4.1 like 1; plus strand). Cytogenetic location: 20q11.23.
Variant type: single nucleotide variant.
Coding change: c.763A>G on transcript NM_012156.2 (MANE Select); coding-DNA position 763, A replaced by G.
Protein change: p.Met255Val; replaces methionine 255 with valine.
Molecular consequence: missense variant.
Genome position (GRCh38, 1-based): chr20:36,185,313, A>G. VCF-style: chr20-36185313-A-G. GRCh37 (hg19) VCF-style: chr20-34773235-A-G.
Other names: c.763A>G, p.Met255Val (NM_001424396.1, NM_001424397.1, NM_001424398.1 and 14 more transcripts); c.577A>G, p.Met193Val (NM_001424403.1, NM_001424404.1, NM_001424405.1 and 19 more transcripts); c.670A>G, p.Met224Val (NM_001258330.1); short protein forms M193V, M224V, M255V.
Identifiers: ClinVar variation 4847325 (VCV004847325.1).